The following is an entry in ClinVar:

ClinVar aggregate classification (germline): Likely benign. Review status: criteria provided, single submitter (1 of 4 stars). 2 submissions from 2 submitters: Likely benign (1). 1 of the submissions does not count toward it. Last evaluated 2023-08-04.

Conditions:
FAT1-related disorder. Also called: FAT1-related condition.

Allele frequency attached by ClinVar (database versions not stated): gnomAD 0.00001.
gnomAD v4.1: 6 of 1,613,820 alleles (0.00037%); highest among the groups gnomAD compares: African/African-American, 0.0027%; no homozygotes.

Submissions (2):

Labcorp Genetics (formerly Invitae), Labcorp
Classification: Likely benign. Last evaluated: 2023-08-04. Review status: criteria provided, single submitter. Criteria: Invitae Variant Classification Sherloc (09022015). Collection method: clinical testing. Allele origin: germline.

PreventionGenetics, part of Exact Sciences
Classification: Likely benign for FAT1-related condition. Last evaluated: 2020-04-03. Review status: no assertion criteria provided. Collection method: clinical testing. Allele origin: germline. Not counted in ClinVar's aggregate classification.
Comment: This variant is classified as likely benign based on ACMG/AMP sequence variant interpretation guidelines (Richards et al. 2015 PMID: 25741868, with internal and published modifications).

NM_005245.4(FAT1):c.13125G>A (p.Ser4375=)

Gene: FAT1 (FAT atypical cadherin 1; minus strand). Cytogenetic location: 4q35.2.
Variant type: single nucleotide variant.
Coding change: c.13125G>A on transcript NM_005245.4 (MANE Select); coding-DNA position 13125, G replaced by A.
Protein change: p.Ser4375=; no amino-acid change (serine 4375 retained).
Molecular consequence: synonymous variant.
Genome position (GRCh38, 1-based): chr4:186,595,702, C>T on the plus strand (G>A on the coding strand, the complement: FAT1 is on the minus strand). VCF-style: chr4-186595702-C-T. GRCh37 (hg19) VCF-style: chr4-187516856-C-T.
Other names: c.13125G>A (NM_005245.3).
Identifiers: ClinVar variation 1904853 (VCV001904853.7), dbSNP rs761872072, ClinGen allele CA442648516.
Genomic context (GRCh38, chr4:186,595,702, plus strand): 5'-CACAACAAGCAAGCAAAGCGCAGTGTTGCAGCACACTGCTGCCTCACCATTGTCATCGCA[C>T]GATTCGGACTGGAAGGAGCTCAGAGACTGCACTTCAGACAGGCTTTCCCGGGCACTGTAT-3'
Protein context (NP_005236.2, residues 4365-4385): VQSLSSFQSE[Ser4375=]CDDNGYHWDT